The following is an entry in ClinVar:

ClinVar aggregate classification (germline): Benign/Likely benign. Review status: criteria provided, multiple submitters, no conflicts (2 of 4 stars). 8 submissions from 8 submitters: Benign (2); Likely benign (6). Last evaluated 2026-09-01.

Conditions:
Arthrogryposis, distal, type 1B. Identifiers: Orphanet 1146, MedGen C3280526, MONDO:0013698, OMIM 614335.

Allele frequency attached by ClinVar (database versions not stated): 1000 Genomes Project 30x 0.00016; 1000 Genomes Project 0.00020; ExAC 0.00120; TOPMed 0.00179; gnomAD 0.00184 and 0.00188; ESP Exome Variant Server 0.00261.
gnomAD v4.1: 4,344 of 1,614,170 alleles (0.27%); highest among the groups gnomAD compares: Non-Finnish European, 0.34%; 13 homozygotes.

Submissions (8):

CeGaT Center for Human Genetics Tuebingen
Classification: Likely benign. Last evaluated: 2026-09-01. Review status: criteria provided, single submitter. Criteria: CeGaT Center For Human Genetics Tuebingen Variant Classification Criteria Version 2. Collection method: clinical testing. Allele origin: germline. Affected: yes. Observed: 5 variant alleles.
Comment: MYBPC1: BP4, BP7, BS2

Mayo Clinic Laboratories, Mayo Clinic
Classification: Likely benign. Last evaluated: 2025-12-12. Review status: criteria provided, single submitter. Criteria: ACMG Guidelines, 2015. Collection method: clinical testing. Allele origin: germline. Observed: 4 variant alleles.
Comment: BP4, BP7

Blueprint Genetics
Classification: Likely benign. Last evaluated: 2024-11-19. Review status: criteria provided, single submitter. Criteria: ACMG Guidelines, 2015. Collection method: clinical testing. Allele origin: germline.

GeneDx
Classification: Likely benign. Last evaluated: 2021-02-05. Review status: criteria provided, single submitter. Criteria: GeneDx Variant Classification Process June 2021. Collection method: clinical testing. Allele origin: germline. Affected: yes.

Labcorp Genetics (formerly Invitae), Labcorp
Classification: Benign. Last evaluated: 2019-12-31. Review status: criteria provided, single submitter. Criteria: Invitae Variant Classification Sherloc (09022015). Collection method: clinical testing. Allele origin: germline.

Illumina Laboratory Services, Illumina
Classification: Benign for Arthrogryposis, distal, type 1B. Last evaluated: 2018-01-13. Review status: criteria provided, single submitter. Criteria: ICSL Variant Classification Criteria 13 December 2019. Collection method: clinical testing. Allele origin: germline.
Comment: This variant was observed in the ICSL laboratory as part of a predisposition screen in an ostensibly healthy population. It had not been previously curated by ICSL or reported in the Human Gene Mutation Database (HGMD: prior to June 1st, 2018), and was therefore a candidate for classification through an automated scoring system. Utilizing variant allele frequency, disease prevalence and penetrance estimates, and inheritance mode, an automated score was calculated to assess if this variant is too frequent to cause the disease. Based on the score and internal cut-off values, a variant classified as benign is not then subjected to further curation. The score for this variant resulted in a classification of benign for this disease.

Breakthrough Genomics
Classification: Likely benign. Review status: criteria provided, single submitter. Criteria: ACMG Guidelines, 2015. Collection method: not provided. Allele origin: germline. Inheritance: Autosomal recessive inheritance. Affected: yes.

PreventionGenetics, part of Exact Sciences
Classification: Likely benign. Review status: criteria provided, single submitter. Criteria: ACMG Guidelines, 2015. Collection method: clinical testing. Allele origin: germline.

NM_002465.4(MYBPC1):c.420C>T (p.Thr140=)

Gene: MYBPC1 (myosin binding protein C1; plus strand). Cytogenetic location: 12q23.2.
Variant type: single nucleotide variant.
Coding change: c.420C>T on transcript NM_002465.4 (MANE Select); coding-DNA position 420, C replaced by T.
Protein change: p.Thr140=; no amino-acid change (threonine 140 retained).
Molecular consequence: synonymous variant.
Genome position (GRCh38, 1-based): chr12:101,631,701, C>T. VCF-style: chr12-101631701-C-T. GRCh37 (hg19) VCF-style: chr12-102025479-C-T.
Other names: p.Thr140=; c.345C>T, p.Thr115= (NM_001254718.3, NM_001254719.3, NM_001254721.3 and 4 more transcripts); c.309C>T, p.Thr103= (NM_001254720.3); c.267C>T, p.Thr89= (NM_001254722.3, NM_001404677.1, NM_001404679.1 and 2 more transcripts); c.306C>T, p.Thr102= (NM_001254723.3); c.420C>T, p.Thr140= (NM_001404675.1, NM_206819.4).
Identifiers: ClinVar variation 258664 (VCV000258664.41), dbSNP rs140667525, ClinGen allele CA6744502.